The following is an entry in ClinVar:

NM_198578.4(LRRK2):c.4474G>A (p.Glu1492Lys)

Gene: LRRK2 (leucine rich repeat kinase 2; plus strand). Cytogenetic location: 12q12.
Variant type: single nucleotide variant.
Coding change: c.4474G>A on transcript NM_198578.4 (MANE Select); coding-DNA position 4474, G replaced by A.
Protein change: p.Glu1492Lys; replaces glutamic acid 1492 with lysine.
Molecular consequence: missense variant.
Genome position (GRCh38, 1-based): chr12:40,310,587, G>A. VCF-style: chr12-40310587-G-A. GRCh37 (hg19) VCF-style: chr12-40704389-G-A.
Other names: short protein forms E1492K.
Identifiers: ClinVar variation 2453033 (VCV002453033.2), dbSNP rs2499828116, ClinGen allele CA384418583.

ClinVar aggregate classification (germline): Uncertain significance (1 of 4 stars; one submission).

Conditions:
Inborn genetic diseases. Identifiers: MedGen C0950123, MeSH D030342.

Allele frequency attached by ClinVar (database versions not stated): gnomAD exomes 0.00001.
gnomAD v4.1: 3 of 1,612,310 alleles (0.00019%); highest among the groups gnomAD compares: South Asian, 0.0033%; no homozygotes.

Submission:

Ambry Genetics
Classification: Uncertain significance for Inborn genetic diseases. Last evaluated: 2022-11-27. Review status: criteria provided, single submitter. Criteria: Ambry Variant Classification Scheme 2023. Collection method: clinical testing. Allele origin: germline.
Comment: The p.E1492K variant (also known as c.4474G>A), located in coding exon 31 of the LRRK2 gene, results from a G to A substitution at nucleotide position 4474. The glutamic acid at codon 1492 is replaced by lysine, an amino acid with similar properties. This amino acid position is conserved. In addition, this alteration is predicted to be deleterious by in silico analysis. Since supporting evidence is limited at this time, the clinical significance of this alteration remains unclear.